The following is an entry in ClinVar:

ClinVar aggregate classification (germline): Benign/Likely benign. Review status: criteria provided, multiple submitters, no conflicts (2 of 4 stars). 5 submissions from 5 submitters: Benign (2); Likely benign (3). Last evaluated 2026-02-03.

Conditions:
Hereditary cancer-predisposing syndrome. Also called: Neoplastic Syndromes, Hereditary; Hereditary neoplastic syndrome; Tumor predisposition; Hereditary Cancer Syndrome. Identifiers: Orphanet 140162, MedGen C0027672, MeSH D009386, MONDO:0015356.
Tuberous sclerosis 2 (TSC2). Identifiers: Orphanet 805, MedGen C1860707, MONDO:0013199, OMIM 613254.

Allele frequency attached by ClinVar (database versions not stated): ExAC 0.00002; gnomAD 0.00002; TOPMed 0.00002; ESP Exome Variant Server 0.00008.
gnomAD v4.1: 4 of 1,602,530 alleles (0.00025%); highest among the groups gnomAD compares: African/African-American, 0.0054%; no homozygotes.

Submissions (5):

Labcorp Genetics (formerly Invitae), Labcorp
Classification: Likely benign for Tuberous sclerosis 2. Last evaluated: 2026-02-03. Review status: criteria provided, single submitter. Criteria: Invitae Variant Classification Sherloc (09022015). Collection method: clinical testing. Allele origin: germline.

Myriad Genetics, Inc.
Classification: Benign for Tuberous sclerosis 2. Last evaluated: 2025-05-16. Review status: criteria provided, single submitter. Criteria: Myriad Autosomal Dominant, Autosomal Recessive and X-Linked Classification Criteria (2023). Collection method: clinical testing. Allele origin: unknown.
Comment: This variant is considered benign. This variant is a silent/synonymous amino acid change and it is not expected to impact splicing.

Genome-Nilou Lab
Classification: Benign for Tuberous sclerosis 2. Last evaluated: 2021-11-07. Review status: criteria provided, single submitter. Criteria: ACMG Guidelines, 2015. Collection method: clinical testing. Allele origin: germline. Affected: no.

Ambry Genetics
Classification: Likely benign for Hereditary cancer-predisposing syndrome. Last evaluated: 2016-08-08. Review status: criteria provided, single submitter. Criteria: Ambry Variant Classification Scheme 2023. Collection method: clinical testing. Allele origin: germline.

GeneDx
Classification: Likely benign. Last evaluated: 2016-07-08. Review status: criteria provided, single submitter. Criteria: GeneDx Variant Classification (06012015). Collection method: clinical testing. Allele origin: germline. Affected: yes.
Comment: This variant is considered likely benign or benign based on one or more of the following criteria: it is a conservative change, it occurs at a poorly conserved position in the protein, it is predicted to be benign by multiple in silico algorithms, and/or has population frequency not consistent with disease.

NM_000548.5(TSC2):c.1977C>T (p.Thr659=)

Gene: TSC2 (TSC complex subunit 2; plus strand). Cytogenetic location: 16p13.3.
Variant type: single nucleotide variant.
Coding change: c.1977C>T on transcript NM_000548.5 (MANE Select); coding-DNA position 1977, C replaced by T.
Protein change: p.Thr659=; no amino-acid change (threonine 659 retained).
Molecular consequence: synonymous variant.
Genome position (GRCh38, 1-based): chr16:2,071,814, C>T. VCF-style: chr16-2071814-C-T. GRCh37 (hg19) VCF-style: chr16-2121815-C-T.
Other names: c.1977C>T, p.Thr659= (NM_001077183.3, NM_001114382.3, NM_001363528.2 and 3 more transcripts); c.1866C>T, p.Thr622= (NM_001318827.2); c.1830C>T, p.Thr610= (NM_001318829.2); c.1377C>T, p.Thr459= (NM_001318831.2); c.2010C>T, p.Thr670= (NM_001318832.2).
Identifiers: ClinVar variation 387482 (VCV000387482.17), dbSNP rs369065703, ClinGen allele CA035371.